The following is an entry in ClinVar:

ClinVar aggregate classification (germline): Likely benign (0 of 4 stars; one submission).

Conditions:
ARNT2-related disorder. Also called: ARNT2-related condition.

gnomAD v4.1: 42 of 1,614,042 alleles (0.0026%); highest among the groups gnomAD compares: East Asian, 0.06%; no homozygotes.

Submission:

PreventionGenetics, part of Exact Sciences
Classification: Likely benign for ARNT2-related condition. Last evaluated: 2019-07-03. Review status: no assertion criteria provided. Collection method: clinical testing. Allele origin: germline.
Comment: This variant is classified as likely benign based on ACMG/AMP sequence variant interpretation guidelines (Richards et al. 2015 PMID: 25741868, with internal and published modifications).

NM_014862.4(ARNT2):c.372C>T (p.Thr124=)

Gene: ARNT2 (aryl hydrocarbon receptor nuclear translocator 2; plus strand). Cytogenetic location: 15q25.1.
Variant type: single nucleotide variant.
Coding change: c.372C>T on transcript NM_014862.4 (MANE Select); coding-DNA position 372, C replaced by T.
Protein change: p.Thr124=; no amino-acid change (threonine 124 retained).
Molecular consequence: synonymous variant.
Genome position (GRCh38, 1-based): chr15:80,470,395, C>T. VCF-style: chr15-80470395-C-T. GRCh37 (hg19) VCF-style: chr15-80762736-C-T.
Identifiers: ClinVar variation 3352054 (VCV003352054.1).
Genomic context (GRCh38, chr15:80,470,395, plus strand): 5'-CATCCTCCGCATGGCCGTCTCGCACATGAAGTCCATGAGGGGTACAGGGAACAAGTCCAC[C>T]GATGGCGCGTACAAGCCTTCCTTCCTCACAGAGCAGGTACCCTGGTCATCACATCACCAT-3'
Protein context (NP_055677.3, residues 114-134): KSMRGTGNKS[Thr124=]DGAYKPSFLT